The following is an entry in ClinVar:

ClinVar aggregate classification (germline): Uncertain significance (1 of 4 stars; one submission).

gnomAD v4.1: 1 of 1,614,136 alleles (0.000062%); highest among the groups gnomAD compares: South Asian, 0.0011%; no homozygotes.

Submission:

Labcorp Genetics (formerly Invitae), Labcorp
Classification: Uncertain significance. Last evaluated: 2022-05-08. Review status: criteria provided, single submitter. Criteria: Invitae Variant Classification Sherloc (09022015). Collection method: clinical testing. Allele origin: germline.
Comment: This sequence change falls in intron 9 of the CYP4V2 gene. It does not directly change the encoded amino acid sequence of the CYP4V2 protein. It affects a nucleotide within the consensus splice site. This variant is not present in population databases (gnomAD no frequency). This variant has not been reported in the literature in individuals affected with CYP4V2-related conditions. Variants that disrupt the consensus splice site are a relatively common cause of aberrant splicing (PMID: 17576681, 9536098). Algorithms developed to predict the effect of sequence changes on RNA splicing suggest that this variant may disrupt the consensus splice site. In summary, the available evidence is currently insufficient to determine the role of this variant in disease. Therefore, it has been classified as a Variant of Uncertain Significance.

Literature cited by the submitters: PubMed 17576681; PubMed 9536098.

NM_207352.4(CYP4V2):c.1225+5G>A

Gene: CYP4V2 (cytochrome P450 family 4 subfamily V member 2; plus strand). Cytogenetic location: 4q35.2.
Variant type: single nucleotide variant.
Coding change: c.1225+5G>A on transcript NM_207352.4 (MANE Select); 5 bases into the intron after coding-DNA position 1225, G replaced by A.
Molecular consequence: intron variant.
Genome position (GRCh38, 1-based): chr4:186,209,004, G>A. VCF-style: chr4-186209004-G-A. GRCh37 (hg19) VCF-style: chr4-187130158-G-A.
Identifiers: ClinVar variation 2135611 (VCV002135611.1), dbSNP rs2478945996, ClinGen allele CA2580071714.